The following is an entry in ClinVar:

NM_003718.5(CDK13):c.1012_1014del (p.Arg338del)

Gene: CDK13 (cyclin dependent kinase 13; plus strand). Cytogenetic location: 7p14.1.
Variant type: Deletion.
Coding change: c.1012_1014del on transcript NM_003718.5 (MANE Select); coding-DNA positions 1012 to 1014, 3 bases deleted (CGC; older notation c.1012_1014delCGC).
Protein change: p.Arg338del; deletes arginine 338.
Molecular consequence: inframe indel (on NM_031267.4).
Genome position (GRCh38, 1-based): chr7:39,951,653-39,951,655, CGC deleted; deleting any 3 consecutive bases within chr7:39,951,651-39,951,655 gives the same sequence; the c. name uses the placement nearest the transcript's 3' end. VCF-style (leftmost placement, unchanged base first): chr7-39951650-AGCC-A. GRCh37 (hg19) VCF-style: chr7-39991249-AGCC-A.
Other names: c.1012_1014delCGC, p.Arg338del (NM_031267.4); short protein forms R338del.
Identifiers: ClinVar variation 3370606 (VCV003370606.1).

ClinVar aggregate classification (germline): Uncertain significance (1 of 4 stars; one submission).

Submission:

GeneDx
Classification: Uncertain significance. Last evaluated: 2024-03-11. Review status: criteria provided, single submitter. Criteria: GeneDx Variant Classification Process June 2021. Collection method: clinical testing. Allele origin: germline. Affected: yes.
Comment: Not observed at significant frequency in large population cohorts (gnomAD); In-frame deletion of one amino acid in a non-repeat region; In silico analysis supports a deleterious effect on protein structure/function; Has not been previously published as pathogenic or benign to our knowledge